The following is an entry in ClinVar:

NM_032043.3(BRIP1):c.2929G>C (p.Ala977Pro)

Gene: BRIP1 (BRCA1 interacting DNA helicase 1; minus strand). Cytogenetic location: 17q23.2.
Variant type: single nucleotide variant.
Coding change: c.2929G>C on transcript NM_032043.3 (MANE Select); coding-DNA position 2929, G replaced by C.
Protein change: p.Ala977Pro; replaces alanine 977 with proline.
Molecular consequence: missense variant.
Genome position (GRCh38, 1-based): chr17:61,684,117, C>G on the plus strand (G>C on the coding strand, the complement: BRIP1 is on the minus strand). VCF-style: chr17-61684117-C-G. GRCh37 (hg19) VCF-style: chr17-59761478-C-G.
Other names: short protein forms A977P.
Identifiers: ClinVar variation 220681 (VCV000220681.11), dbSNP rs864622628, ClinGen allele CA349021.

ClinVar aggregate classification (germline): Uncertain significance. Review status: criteria provided, multiple submitters, no conflicts (2 of 4 stars). 3 submissions from 3 submitters: Uncertain significance (3). Last evaluated 2025-10-05.

Conditions:
Hereditary cancer-predisposing syndrome. Also called: Tumor predisposition; Hereditary neoplastic syndrome; Neoplastic Syndromes, Hereditary; Hereditary Cancer Syndrome. Identifiers: Orphanet 140162, MedGen C0027672, MeSH D009386, MONDO:0015356.
Fanconi anemia complementation group J. Also called: BRIP1-Related Fanconi Anemia. Identifiers: Orphanet 84, MedGen C1836860, MONDO:0012187, OMIM 609054.
Familial cancer of breast. Also called: hereditary breast carcinoma; Hereditary breast cancer; BREAST CANCER, FAMILIAL. Identifiers: Orphanet 227535, MedGen C0346153, MONDO:0016419, OMIM 114480. Disease mechanism: loss of function.

Submissions (3):

Ambry Genetics
Classification: Uncertain significance for Hereditary cancer-predisposing syndrome. Last evaluated: 2025-10-05. Review status: criteria provided, single submitter. Criteria: Ambry Variant Classification Scheme 2023. Collection method: clinical testing. Allele origin: germline.
Comment: The p.A977P variant (also known as c.2929G>C), located in coding exon 19 of the BRIP1 gene, results from a G to C substitution at nucleotide position 2929. The alanine at codon 977 is replaced by proline, an amino acid with highly similar properties. This amino acid position is conserved. In addition, this alteration is predicted to be tolerated by in silico analysis. Based on the available evidence, the clinical significance of this variant remains unclear.

Labcorp Genetics (formerly Invitae), Labcorp
Classification: Uncertain significance for Familial cancer of breast; Fanconi anemia complementation group J. Last evaluated: 2024-05-10. Review status: criteria provided, single submitter. Criteria: Invitae Variant Classification Sherloc (09022015). Collection method: clinical testing. Allele origin: germline.
Comment: This sequence change replaces alanine, which is neutral and non-polar, with proline, which is neutral and non-polar, at codon 977 of the BRIP1 protein (p.Ala977Pro). This variant is not present in population databases (gnomAD no frequency). This variant has not been reported in the literature in individuals affected with BRIP1-related conditions. ClinVar contains an entry for this variant (Variation ID: 220681). An algorithm developed to predict the effect of missense changes on protein structure and function (PolyPhen-2) suggests that this variant is likely to be tolerated. In summary, the available evidence is currently insufficient to determine the role of this variant in disease. Therefore, it has been classified as a Variant of Uncertain Significance.

GeneDx
Classification: Uncertain significance. Last evaluated: 2022-11-23. Review status: criteria provided, single submitter. Criteria: GeneDx Variant Classification Process June 2021. Collection method: clinical testing. Allele origin: germline. Affected: yes.
Comment: Not observed at significant frequency in large population cohorts (gnomAD); In silico analysis supports that this missense variant does not alter protein structure/function; Has not been previously published as pathogenic or benign to our knowledge; This variant is associated with the following publications: (PMID: 11301010)